The following is an entry in ClinVar:

ClinVar aggregate classification (germline): Uncertain significance (1 of 4 stars; one submission).

Allele frequency attached by ClinVar (database versions not stated): gnomAD exomes below 0.00001.
gnomAD v4.1: 1 of 1,612,348 alleles (0.000062%); highest among the groups gnomAD compares: Non-Finnish European, 0.000085%; no homozygotes.

Submission:

Labcorp Genetics (formerly Invitae), Labcorp
Classification: Uncertain significance. Last evaluated: 2023-11-12. Review status: criteria provided, single submitter. Criteria: Invitae Variant Classification Sherloc (09022015). Collection method: clinical testing. Allele origin: germline.
Comment: This sequence change replaces serine, which is neutral and polar, with glycine, which is neutral and non-polar, at codon 928 of the CSF1R protein (p.Ser928Gly). This variant is not present in population databases (gnomAD no frequency). This variant has not been reported in the literature in individuals affected with CSF1R-related conditions. Advanced modeling of protein sequence and biophysical properties (such as structural, functional, and spatial information, amino acid conservation, physicochemical variation, residue mobility, and thermodynamic stability) performed at Invitae indicates that this missense variant is not expected to disrupt CSF1R protein function with a negative predictive value of 95%. In summary, the available evidence is currently insufficient to determine the role of this variant in disease. Therefore, it has been classified as a Variant of Uncertain Significance.

NM_001288705.3(CSF1R):c.2782A>G (p.Ser928Gly)

Gene: CSF1R (colony stimulating factor 1 receptor; minus strand). Cytogenetic location: 5q32.
Variant type: single nucleotide variant.
Coding change: c.2782A>G on transcript NM_001288705.3 (MANE Select); coding-DNA position 2782, A replaced by G.
Protein change: p.Ser928Gly; replaces serine 928 with glycine.
Molecular consequence: missense variant. On other transcripts: non-coding transcript variant (2).
Genome position (GRCh38, 1-based): chr5:150,054,206, T>C on the plus strand (A>G on the coding strand, the complement: CSF1R is on the minus strand). VCF-style: chr5-150054206-T-C. GRCh37 (hg19) VCF-style: chr5-149433769-T-C.
Other names: c.2782A>G, p.Ser928Gly (NM_001349736.2, NM_001375320.1, NM_005211.4); c.2338A>G, p.Ser780Gly (NM_001375321.1); short protein forms S928G, S780G.
Identifiers: ClinVar variation 3009665 (VCV003009665.3), dbSNP rs2113773105, ClinGen allele CA361756315.
Genomic context (GRCh38, chr5:150,054,206, plus strand): 5'-TAGAGCTCTCCTCCTCCAGCTCACTGCTGCTGCTGCCGCTGCCACCGCTTCTGCTGCTGC[T>C]CGGCAGATTGGTATAGTCCTGAGGGTGGGAGGGACCAGAAACTGTCAGTCCAGATCCATC-3'
Protein context (NP_001275634.1, residues 918-938): RRERDYTNLP[Ser928Gly]SSRSGGSGSS